The following is an entry in ClinVar:

NM_198252.3(GSN):c.-9-2088G>T

Gene: GSN (gelsolin; plus strand). Cytogenetic location: 9q33.2.
Variant type: single nucleotide variant.
Coding change: c.-9-2088G>T on transcript NM_198252.3 (MANE Select); 2088 bases into the intron before 9 bases upstream of the start codon, G replaced by T.
Molecular consequence: intron variant. On other transcripts: missense variant (1).
Genome position (GRCh38, 1-based): chr9:121,299,875, G>T. VCF-style: chr9-121299875-G-T. GRCh37 (hg19) VCF-style: chr9-124062153-G-T.
Other names: c.14G>T, p.Arg5Leu (NM_000177.5); c.-9-2088G>T (NM_001353054.1, NM_001353053.1, NM_001353060.2 and 5 more transcripts); c.-47-181G>T (NM_001353064.2, NM_001353066.2, NM_001353072.2 and 7 more transcripts); c.-1-2096G>T (NM_001353058.2, NM_001353059.2, NM_001353056.2 and 1 more transcripts); c.-38-190G>T (NM_001353073.2, NM_001353065.2, NM_001353068.2 and 2 more transcripts); c.100-2088G>T (NM_001127663.2); c.-32-196G>T (NM_001353070.2); c.-48-2049G>T (NM_001353055.2); and 4 more; short protein forms R5L.
Identifiers: ClinVar variation 1773985 (VCV001773985.9), dbSNP rs749593959, ClinGen allele CA5220647.

ClinVar aggregate classification (germline): Uncertain significance. Review status: criteria provided, multiple submitters, no conflicts (2 of 4 stars). 3 submissions from 3 submitters: Uncertain significance (3). Last evaluated 2024-05-30.

Conditions:
Inborn genetic diseases. Identifiers: MedGen C0950123, MeSH D030342.
Finnish type amyloidosis. Also called: Amyloidosis, familial, Finnish type; Meretoja type amyloidosis; Amyloidosis 5; AMYLOID CRANIAL NEUROPATHY WITH LATTICE CORNEAL DYSTROPHY; AMYLOIDOSIS DUE TO MUTANT GELSOLIN; AMYLOIDOSIS, HEREDITARY SYSTEMIC 4, FINNISH TYPE. Identifiers: Orphanet 85448, MedGen C1622345, MONDO:0007097, OMIM 105120.

Allele frequency attached by ClinVar (database versions not stated): gnomAD 0.00001.
gnomAD v4.1: 20 of 1,326,022 alleles (0.0015%); highest among the groups gnomAD compares: South Asian, 0.03%; no homozygotes.

Submissions (3):

Fulgent Genetics
Classification: Uncertain significance for Finnish type amyloidosis. Last evaluated: 2024-05-30. Review status: criteria provided, single submitter. Criteria: ACMG Guidelines, 2015. Collection method: clinical testing. Allele origin: germline.

Ambry Genetics
Classification: Uncertain significance for Inborn genetic diseases. Last evaluated: 2024-03-15. Review status: criteria provided, single submitter. Criteria: Ambry Variant Classification Scheme 2023. Collection method: clinical testing. Allele origin: germline.

Labcorp Genetics (formerly Invitae), Labcorp
Classification: Uncertain significance. Last evaluated: 2022-09-09. Review status: criteria provided, single submitter. Criteria: Invitae Variant Classification Sherloc (09022015). Collection method: clinical testing. Allele origin: germline.
Comment: In summary, the available evidence is currently insufficient to determine the role of this variant in disease. Therefore, it has been classified as a Variant of Uncertain Significance. Algorithms developed to predict the effect of missense changes on protein structure and function (SIFT, PolyPhen-2, Align-GVGD) all suggest that this variant is likely to be tolerated. This variant has not been reported in the literature in individuals affected with GSN-related conditions. This variant is present in population databases (rs749593959, gnomAD 0.03%). This sequence change replaces arginine, which is basic and polar, with leucine, which is neutral and non-polar, at codon 5 of the GSN protein (p.Arg5Leu).